The following is an entry in ClinVar:

NM_017777.4(MKS1):c.193G>T (p.Gly65Ter)

Gene: MKS1 (MKS transition zone complex subunit 1; minus strand). Cytogenetic location: 17q22.
Variant type: single nucleotide variant.
Coding change: c.193G>T on transcript NM_017777.4 (MANE Select); coding-DNA position 193, G replaced by T.
Protein change: p.Gly65Ter; replaces glycine 65 with a stop codon.
Molecular consequence: nonsense. On other transcripts: 5 prime UTR variant (1).
Genome position (GRCh38, 1-based): chr17:58,216,734, C>A on the plus strand (G>T on the coding strand, the complement: MKS1 is on the minus strand). VCF-style: chr17-58216734-C-A. GRCh37 (hg19) VCF-style: chr17-56294095-C-A.
Other names: c.-319G>T (NM_001321268.2); c.193G>T, p.Gly65Ter (NM_001321269.2, NM_001330397.2, NM_001411113.1); short protein forms G65*.
Identifiers: ClinVar variation 5014838 (VCV005014838.1).

ClinVar aggregate classification (germline): Pathogenic (1 of 4 stars; one submission).

Conditions:
Ciliopathy. Also called: Ciliopathies. Identifiers: Orphanet 363250, MedGen C4277690, MONDO:0005308, MeSH D000072661.

Submission:

Myriad Genetics, Inc.
Classification: Pathogenic for Ciliopathy. Last evaluated: 2025-08-07. Review status: criteria provided, single submitter. Criteria: Myriad Autosomal Dominant, Autosomal Recessive and X-Linked Classification Criteria (2023). Collection method: clinical testing. Allele origin: unknown.
Comment: NM_017777.3(MKS1):c.193G>T(G65*) is expected to be pathogenic in the context of MKS1-related disorders. This variant is predicted to lead to an abnormal or absent protein product due to the creation of a premature termination codon in MKS1, a gene where loss-of-function variants are known to be pathogenic. Please note: this variant was assessed in the context of healthy population screening.